The following is an entry in ClinVar:

ClinVar aggregate classification (germline): Likely benign. Review status: criteria provided, multiple submitters, no conflicts (2 of 4 stars). 2 submissions from 2 submitters: Likely benign (2). Last evaluated 2025-12-23.

Conditions:
H syndrome. Also called: Pigmented hypertrichosis and insulin-dependent diabetes mellitus; Asrar Facharzt Haque syndrome; HISTIOCYTOSIS AND LYMPHADENOPATHY WITH OR WITHOUT CUTANEOUS, CARDIAC, AND/OR ENDOCRINE FEATURES, JOINT CONTRACTURES, AND/OR DEAFNESS; HYPERPIGMENTATION, CUTANEOUS, WITH HYPERTRICHOSIS, HEPATOSPLENOMEGALY, HEART ANOMALIES, AND HYPOGONADISM WITH OR WITHOUT HEARING LOSS; PIGMENTED HYPERTRICHOSIS WITH INSULIN-DEPENDENT DIABETES MELLITUS; ROSAI-DORFMAN DISEASE, FAMILIAL. Identifiers: Orphanet 168569, MedGen C1864445, MONDO:0011273, OMIM 602782.

gnomAD v4.1: 1 of 1,614,106 alleles (0.000062%); highest among the groups gnomAD compares: East Asian, 0.0022%; no homozygotes.

Submissions (2):

Labcorp Genetics (formerly Invitae), Labcorp
Classification: Likely benign for H syndrome. Last evaluated: 2025-12-23. Review status: criteria provided, single submitter. Criteria: Invitae Variant Classification Sherloc (09022015). Collection method: clinical testing. Allele origin: germline.

Mayo Clinic Laboratories, Mayo Clinic
Classification: Likely benign. Last evaluated: 2025-09-03. Review status: criteria provided, single submitter. Criteria: ACMG Guidelines, 2015. Collection method: clinical testing. Allele origin: germline. Observed: 1 variant allele.
Comment: BP4, BP7, PM2_supporting

NM_018344.6(SLC29A3):c.15A>G (p.Ser5=)

Gene: SLC29A3 (solute carrier family 29 member 3; plus strand). Cytogenetic location: 10q22.1.
Variant type: single nucleotide variant.
Coding change: c.15A>G on transcript NM_018344.6 (MANE Select); coding-DNA position 15, A replaced by G.
Protein change: p.Ser5=; no amino-acid change (serine 5 retained).
Molecular consequence: synonymous variant. On other transcripts: 5 prime UTR variant (1), non-coding transcript variant (2).
Genome position (GRCh38, 1-based): chr10:71,322,769, A>G. VCF-style: chr10-71322769-A-G. GRCh37 (hg19) VCF-style: chr10-73082526-A-G.
Other names: p.Ser5=; c.15A>G, p.Ser5= (NM_001174098.2); c.-220A>G (NM_001363518.2).
Identifiers: ClinVar variation 4683515 (VCV004683515.2).
Genomic context (GRCh38, chr10:71,322,769, plus strand): 5'-GTTTCTACTCACCTACCCTGTCTCTGTTGCCCTCCTTGCTCCAATAGTGGCCGTTGTCTC[A>G]GAGGACGACTTTCAGCACAGTTCAAACTCCACCTACAGAACCACAAGCAGCAGTCTCCGA-3'
Protein context (NP_060814.4, residues 1-15): MAVV[Ser5=]EDDFQHSSNS